The following is an entry in ClinVar:

NM_001235.5(SERPINH1):c.1222C>T (p.Arg408Trp)

Gene: SERPINH1 (serpin family H member 1; plus strand). Cytogenetic location: 11q13.5.
Variant type: single nucleotide variant.
Coding change: c.1222C>T on transcript NM_001235.5 (MANE Select); coding-DNA position 1222, C replaced by T.
Protein change: p.Arg408Trp; replaces arginine 408 with tryptophan.
Molecular consequence: missense variant.
Genome position (GRCh38, 1-based): chr11:75,572,048, C>T. VCF-style: chr11-75572048-C-T. GRCh37 (hg19) VCF-style: chr11-75283093-C-T.
Other names: c.1222C>T, p.Arg408Trp (NM_001207014.3); c.1222C>T (NM_001235.3); short protein forms R408W.
Identifiers: ClinVar variation 811730 (VCV000811730.37), dbSNP rs769154335, ClinGen allele CA6191051.

ClinVar aggregate classification (germline): Uncertain significance. Review status: criteria provided, multiple submitters, no conflicts (2 of 4 stars). 3 submissions from 3 submitters: Uncertain significance (3). Last evaluated 2024-07-30.

Conditions:
Inborn genetic diseases. Identifiers: MedGen C0950123, MeSH D030342.

Allele frequency attached by ClinVar (database versions not stated): gnomAD 0.00001; TOPMed 0.00002.

Submissions (3):

Ambry Genetics
Classification: Uncertain significance for Inborn genetic diseases. Last evaluated: 2024-07-30. Review status: criteria provided, single submitter. Criteria: Ambry Variant Classification Scheme 2023. Collection method: clinical testing. Allele origin: germline.

CeGaT Center for Human Genetics Tuebingen
Classification: Uncertain significance. Last evaluated: 2023-03-01. Review status: criteria provided, single submitter. Criteria: CeGaT Center For Human Genetics Tuebingen Variant Classification Criteria Version 2. Collection method: clinical testing. Allele origin: germline. Affected: yes. Observed: 1 variant allele.
Comment: SERPINH1: PM2, PP3

ARUP Laboratories, Molecular Genetics and Genomics, ARUP Laboratories
Classification: Uncertain significance. Last evaluated: 2018-08-22. Review status: criteria provided, single submitter. Criteria: ARUP Molecular Germline Variant Investigation Process. Collection method: clinical testing. Allele origin: germline.
Comment: The SERPINH1 c.1222C>T; p.Arg408Trp variant (rs769154335), to our knowledge, is not reported in the medical literature or gene specific databases. This variant is found in the Latino population with an overall allele frequency of 0.012% (4/33574 alleles) in the Genome Aggregation Database. The arginine at codon 408 is highly conserved and computational analyses (SIFT, PolyPhen-2) predict that this variant is deleterious. However, due to limited information, the clinical significance of the p.Arg408Trp variant is uncertain at this time.